The following is an entry in ClinVar:

NM_001199799.2(ILDR1):c.9G>A (p.Trp3Ter)

Gene: ILDR1 (immunoglobulin like domain containing receptor 1; minus strand). Cytogenetic location: 3q13.33.
Variant type: single nucleotide variant.
Coding change: c.9G>A on transcript NM_001199799.2 (MANE Select); coding-DNA position 9, G replaced by A.
Protein change: p.Trp3Ter; replaces tryptophan 3 with a stop codon.
Molecular consequence: nonsense.
Genome position (GRCh38, 1-based): chr3:122,022,069, C>T on the plus strand (G>A on the coding strand, the complement: ILDR1 is on the minus strand). VCF-style: chr3-122022069-C-T. GRCh37 (hg19) VCF-style: chr3-121740916-C-T.
Other names: c.9G>A, p.Trp3Ter (NM_001199800.2, NM_175924.4); short protein forms W3*.
Identifiers: ClinVar variation 1027551 (VCV001027551.3), dbSNP rs2071865513, ClinGen allele CA354136083.
Genomic context (GRCh38, chr3:122,022,069, plus strand): 5'-CCAAGGCTCACCTGCTGGGAGCCAGGTGCAGAGCAGCAGCCAAGGTGCGGGCAGTTTGGG[C>T]CATGCCATGCCGCCCCCTTTCTGGCCCTTTTCAGCTCAGGGGCTTCGGGGCACTGCGTCT-3'

ClinVar aggregate classification (germline): Pathogenic (1 of 4 stars; one submission).

Conditions:
Childhood onset hearing loss.

Submission:

National Institute on Deafness and Communication Disorders, National Institutes of Health
Classification: Pathogenic for Childhood onset hearing loss. Last evaluated: 2021-07-08. Review status: criteria provided, single submitter. Criteria: ClinGen HL ACMG Specifications v1. Collection method: research. Allele origin: germline. Inheritance: Autosomal recessive inheritance. Affected: yes. Observed: 1 heterozygote. Segregation with disease not observed.
Comment: PVS1, PM2_supporting, PM3_moderate / Modifications from PMID: 30311386 for classification: The genetic causes of hearing loss have not yet been well characterized in the Yoruba population, and the information regarding variant MAF in this population is still limited, so we did not exclude any variant based on their "high" MAF. PP3 criteria was applied even if the REVEL score was below 0.7, if at least two of the pathogenicity prediction algorithms used predicted that the variant was damaging or likely damaging.

was found associated with NM_001199799.2:c.775C>T